The following is an entry in ClinVar:

ClinVar aggregate classification (germline): Uncertain significance (1 of 4 stars; one submission).

Conditions:
Hajdu-Cheney syndrome (HJCYS). Also called: SERPENTINE FIBULA-POLYCYSTIC KIDNEY SYNDROME; ACROOSTEOLYSIS WITH OSTEOPOROSIS AND CHANGES IN SKULL AND MANDIBLE; Acroosteolysis dominant type. Identifiers: Orphanet 955, MedGen C0917715, MONDO:0007057, OMIM 102500.

Allele frequency attached by ClinVar (database versions not stated): gnomAD exomes 0.00001.
gnomAD v4.1: 3 of 1,613,788 alleles (0.00019%); highest among the groups gnomAD compares: Non-Finnish European, 0.00025%; no homozygotes.

Submission:

Labcorp Genetics (formerly Invitae), Labcorp
Classification: Uncertain significance for Hajdu-Cheney syndrome. Last evaluated: 2025-04-17. Review status: criteria provided, single submitter. Criteria: Invitae Variant Classification Sherloc (09022015). Collection method: clinical testing. Allele origin: germline.
Comment: This sequence change replaces histidine, which is basic and polar, with aspartic acid, which is acidic and polar, at codon 2464 of the NOTCH2 protein (p.His2464Asp). This variant is present in population databases (no rsID available, gnomAD 0.0009%). This variant has not been reported in the literature in individuals affected with NOTCH2-related conditions. ClinVar contains an entry for this variant (Variation ID: 3007567). Invitae Evidence Modeling of protein sequence and biophysical properties (such as structural, functional, and spatial information, amino acid conservation, physicochemical variation, residue mobility, and thermodynamic stability) indicates that this missense variant is not expected to disrupt NOTCH2 protein function with a negative predictive value of 95%. In summary, the available evidence is currently insufficient to determine the role of this variant in disease. Therefore, it has been classified as a Variant of Uncertain Significance.

NM_024408.4(NOTCH2):c.7390C>G (p.His2464Asp)

Gene: NOTCH2 (notch receptor 2; minus strand). Cytogenetic location: 1p12.
Variant type: single nucleotide variant.
Coding change: c.7390C>G on transcript NM_024408.4 (MANE Select); coding-DNA position 7390, C replaced by G.
Protein change: p.His2464Asp; replaces histidine 2464 with aspartic acid.
Molecular consequence: missense variant.
Genome position (GRCh38, 1-based): chr1:119,915,332, G>C on the plus strand (C>G on the coding strand, the complement: NOTCH2 is on the minus strand). VCF-style: chr1-119915332-G-C. GRCh37 (hg19) VCF-style: chr1-120457955-G-C.
Other names: short protein forms H2464D.
Identifiers: ClinVar variation 3007567 (VCV003007567.3), dbSNP rs1360394263, ClinGen allele CA341871322.